The following is an entry in ClinVar:

ClinVar aggregate classification (germline): Uncertain significance (1 of 4 stars; one submission).

Conditions:
Autosomal dominant polycystic kidney disease. Identifiers: Orphanet 730, MedGen C0085413, MONDO:0004691.

Allele frequency attached by ClinVar (database versions not stated): gnomAD exomes below 0.00001.
gnomAD v4.1: 1 of 1,613,960 alleles (0.000062%); highest among the groups gnomAD compares: African/African-American, 0.0013%; no homozygotes.

Submission:

Labcorp Genetics (formerly Invitae), Labcorp
Classification: Uncertain significance for Autosomal dominant polycystic kidney disease. Last evaluated: 2024-02-10. Review status: criteria provided, single submitter. Criteria: Invitae Variant Classification Sherloc (09022015). Collection method: clinical testing. Allele origin: germline.
Comment: This sequence change replaces phenylalanine, which is neutral and non-polar, with leucine, which is neutral and non-polar, at codon 426 of the PKD2 protein (p.Phe426Leu). This variant is not present in population databases (gnomAD no frequency). This variant has not been reported in the literature in individuals affected with PKD2-related conditions. Advanced modeling of protein sequence and biophysical properties (such as structural, functional, and spatial information, amino acid conservation, physicochemical variation, residue mobility, and thermodynamic stability) performed at Invitae indicates that this missense variant is not expected to disrupt PKD2 protein function with a negative predictive value of 80%. In summary, the available evidence is currently insufficient to determine the role of this variant in disease. Therefore, it has been classified as a Variant of Uncertain Significance.

NM_000297.4(PKD2):c.1276T>C (p.Phe426Leu)

Gene: PKD2 (polycystin 2, transient receptor potential cation channel; plus strand). Cytogenetic location: 4q22.1.
Variant type: single nucleotide variant.
Coding change: c.1276T>C on transcript NM_000297.4 (MANE Select); coding-DNA position 1276, T replaced by C.
Protein change: p.Phe426Leu; replaces phenylalanine 426 with leucine.
Molecular consequence: missense variant. On other transcripts: non-coding transcript variant (1).
Genome position (GRCh38, 1-based): chr4:88,043,414, T>C. VCF-style: chr4-88043414-T-C. GRCh37 (hg19) VCF-style: chr4-88964566-T-C.
Other names: short protein forms F426L.
Identifiers: ClinVar variation 2708861 (VCV002708861.3), dbSNP rs1560612017, ClinGen allele CA357616146.